The following is an entry in ClinVar:

NM_001429.4(EP300):c.6453GCA[1] (p.Gln2153del)

Gene: EP300 (EP300 lysine acetyltransferase; plus strand). Cytogenetic location: 22q13.2.
Variant type: Microsatellite.
Coding change: c.6453GCA[1] on transcript NM_001429.4 (MANE Select); one copy of the 3-base unit GCA starting at c.6453; the reference has two copies in a row; one copy, 3 bases deleted; also written c.6456_6458del.
Protein change: p.Gln2153del; deletes glutamine 2153.
Molecular consequence: inframe deletion.
Genome position (GRCh38, 1-based): chr22:41,178,167-41,178,169, GCA deleted; deleting any 3 consecutive bases within chr22:41,178,162-41,178,169 gives the same sequence; the position shown is the placement nearest the transcript's 3' end. VCF-style (leftmost placement, unchanged base first): chr22-41178161-ACAG-A. GRCh37 (hg19) VCF-style: chr22-41574165-ACAG-A.
Other names: c.6375GCA[1], p.Gln2127del (NM_001362843.2); c.6456_6458del (NM_001429.4); short protein forms Q2153del, Q2127del.
Identifiers: ClinVar variation 5006499 (VCV005006499.2).
Genomic context (GRCh38, chr22:41,178,161, plus strand): 5'-GCAGAACATGAATCCAATGCAGGCGGGCGTTCAGAGGGCTGGCCTGCCCCAGCAGCAACC[ACAG>A]CAGCAACTCCAGCCACCCATGGGAGGGATGAGCCCCCAGGCTCAGCAGATGAACATGAAC-3'

ClinVar aggregate classification (germline): Uncertain significance (1 of 4 stars; one submission).

Conditions:
Menke-Hennekam syndrome 2 (MKHK2). Identifiers: MedGen C5193035, MONDO:0020769, OMIM 618333.
Rubinstein-Taybi syndrome due to EP300 haploinsufficiency. Also called: EP300-Related Rubinstein-Taybi Syndrome; RUBINSTEIN-TAYBI SYNDROME 2. Identifiers: Orphanet 353284, Orphanet 783, MedGen C3150941, MONDO:0013364, OMIM 613684.
Colorectal cancer. Also called: Colorectal cancer, somatic; Malignant Colorectal Neoplasm. Identifiers: MedGen C0346629, MONDO:0005575, OMIM 114500.

Submission:

Juno Genomics, Hangzhou Juno Genomics, Inc
Classification: Uncertain significance for Colorectal cancer; Menke-Hennekam syndrome 2; Rubinstein-Taybi syndrome due to EP300 haploinsufficiency. Review status: criteria provided, single submitter. Criteria: ACMG Guidelines, 2015. Collection method: clinical testing. Allele origin: germline.
Comment: Absent from controls (or at extremely low frequency if recessive) in Genome Aggregation Database.;Protein length changes due to in-frame deletions/insertions in a non-repeat region or stop-loss variants.